The following is an entry in ClinVar:

ClinVar aggregate classification (germline): Benign. Review status: criteria provided, multiple submitters, no conflicts (2 of 4 stars). 5 submissions from 5 submitters: Benign (5). Last evaluated 2026-01-26.

Conditions:
Cataract 6 multiple types. Also called: CATARACT, AGE-RELATED CORTICAL, 2; CATARACT 6, POSTERIOR POLAR; CATARACT 6, CONGENITAL TOTAL. Identifiers: Orphanet 91492, MedGen C1861825, MONDO:0007288, OMIM 116600.

Allele frequency attached by ClinVar (database versions not stated): gnomAD exomes 0.05166 and 0.08421; ExAC 0.09176; gnomAD 0.15073 and 0.15604; ESP Exome Variant Server 0.16131; TOPMed 0.16656; 1000 Genomes Project 0.19269; 1000 Genomes Project 30x 0.19909.
gnomAD v4.1: 99,691 of 1,613,688 alleles (6.2%); highest among the groups gnomAD compares: African/African-American, 41%; 8,671 homozygotes.

Submissions (5):

Labcorp Genetics (formerly Invitae), Labcorp
Classification: Benign for Cataract 6 multiple types. Last evaluated: 2026-01-26. Review status: criteria provided, single submitter. Criteria: Invitae Variant Classification Sherloc (09022015). Collection method: clinical testing. Allele origin: germline.

GeneDx
Classification: Benign. Last evaluated: 2018-04-12. Review status: criteria provided, single submitter. Criteria: GeneDx Variant Classification (06012015). Collection method: clinical testing. Allele origin: germline. Affected: yes.
Comment: This variant is considered likely benign or benign based on one or more of the following criteria: it is a conservative change, it occurs at a poorly conserved position in the protein, it is predicted to be benign by multiple in silico algorithms, and/or has population frequency not consistent with disease.

Illumina Laboratory Services, Illumina
Classification: Benign for Cataract 6 multiple types. Last evaluated: 2018-01-13. Review status: criteria provided, single submitter. Criteria: ICSL Variant Classification Criteria 13 December 2019. Collection method: clinical testing. Allele origin: germline.
Comment: This variant was observed in the ICSL laboratory as part of a predisposition screen in an ostensibly healthy population. It had not been previously curated by ICSL or reported in the Human Gene Mutation Database (HGMD: prior to June 1st, 2018), and was therefore a candidate for classification through an automated scoring system. Utilizing variant allele frequency, disease prevalence and penetrance estimates, and inheritance mode, an automated score was calculated to assess if this variant is too frequent to cause the disease. Based on the score and internal cut-off values, a variant classified as benign is not then subjected to further curation. The score for this variant resulted in a classification of benign for this disease.

Breakthrough Genomics
Classification: Benign. Review status: criteria provided, single submitter. Criteria: ACMG Guidelines, 2015. Collection method: not provided. Allele origin: germline. Inheritance: Autosomal dominant inheritance. Affected: yes.

PreventionGenetics, part of Exact Sciences
Classification: Benign. Review status: criteria provided, single submitter. Criteria: ACMG Guidelines, 2015. Collection method: clinical testing. Allele origin: germline.

NM_004431.5(EPHA2):c.1983C>T (p.Leu661=)

Gene: EPHA2 (EPH receptor A2; minus strand). Cytogenetic location: 1p36.13.
Variant type: single nucleotide variant.
Coding change: c.1983C>T on transcript NM_004431.5 (MANE Select); coding-DNA position 1983, C replaced by T.
Protein change: p.Leu661=; no amino-acid change (leucine 661 retained).
Molecular consequence: synonymous variant.
Genome position (GRCh38, 1-based): chr1:16,133,250, G>A on the plus strand (C>T on the coding strand, the complement: EPHA2 is on the minus strand). VCF-style: chr1-16133250-G-A. GRCh37 (hg19) VCF-style: chr1-16459745-G-A.
Other names: c.1821C>T, p.Leu607= (NM_001329090.2).
Identifiers: ClinVar variation 259389 (VCV000259389.15), dbSNP rs10907223, ClinGen allele CA624985.